The following is an entry in ClinVar:

ClinVar aggregate classification (germline): Benign/Likely benign. Review status: criteria provided, multiple submitters, no conflicts (2 of 4 stars). 3 submissions from 3 submitters: Benign (1); Likely benign (2). Last evaluated 2025-02-24.

Conditions:
Hereditary cancer-predisposing syndrome. Also called: Neoplastic Syndromes, Hereditary; Tumor predisposition; Hereditary Cancer Syndrome; Hereditary neoplastic syndrome. Identifiers: Orphanet 140162, MedGen C0027672, MeSH D009386, MONDO:0015356.
Breast-ovarian cancer, familial, susceptibility to, 4. Identifiers: Orphanet 145, MedGen C3280345, MONDO:0013669, OMIM 614291.

Allele frequency attached by ClinVar (database versions not stated): gnomAD exomes below 0.00001; ExAC 0.00001.
gnomAD v4.1: 1 of 1,612,342 alleles (0.000062%); highest among the groups gnomAD compares: Non-Finnish European, 0.000085%; no homozygotes.

Submissions (3):

Myriad Genetics, Inc.
Classification: Benign for Breast-ovarian cancer, familial, susceptibility to, 4. Last evaluated: 2025-02-24. Review status: criteria provided, single submitter. Criteria: Myriad Autosomal Dominant, Autosomal Recessive and X-Linked Classification Criteria (2023). Collection method: clinical testing. Allele origin: unknown.
Comment: This variant is considered benign. This variant is a silent/synonymous amino acid change and it is not expected to impact splicing.

Labcorp Genetics (formerly Invitae), Labcorp
Classification: Likely benign for Breast-ovarian cancer, familial, susceptibility to, 4. Last evaluated: 2023-04-06. Review status: criteria provided, single submitter. Criteria: Invitae Variant Classification Sherloc (09022015). Collection method: clinical testing. Allele origin: germline.

Ambry Genetics
Classification: Likely benign for Hereditary cancer-predisposing syndrome. Last evaluated: 2015-12-14. Review status: criteria provided, single submitter. Criteria: Ambry Variant Classification Scheme 2023. Collection method: clinical testing. Allele origin: germline.

NM_002878.4(RAD51D):c.675C>A (p.Ala225=)

Genes: RAD51L3-RFFL (RAD51L3-RFFL readthrough; minus strand), RAD51D (RAD51 paralog D; minus strand). Cytogenetic location: 17q12.
Variant type: single nucleotide variant.
Coding change: c.675C>A on transcript NM_002878.4 (MANE Select); coding-DNA position 675, C replaced by A.
Protein change: p.Ala225=; no amino-acid change (alanine 225 retained).
Molecular consequence: synonymous variant. On other transcripts: non-coding transcript variant (3).
Genome position (GRCh38, 1-based): chr17:35,103,317, G>T on the plus strand (C>A on the coding strand, the complement: RAD51D is on the minus strand). VCF-style: chr17-35103317-G-T. GRCh37 (hg19) VCF-style: chr17-33430336-G-T.
Other names: c.735C>A, p.Ala245= (NM_001142571.2); c.339C>A, p.Ala113= (NM_133629.3).
Identifiers: ClinVar variation 1755273 (VCV001755273.8), dbSNP rs760789270, ClinGen allele CA8499380.